The following is an entry in ClinVar:

NM_001145358.2(SIN3A):c.3452A>G (p.Asn1151Ser)

Gene: SIN3A (SIN3 transcription regulator family member A; minus strand). Cytogenetic location: 15q24.2.
Variant type: single nucleotide variant.
Coding change: c.3452A>G on transcript NM_001145358.2 (MANE Select); coding-DNA position 3452, A replaced by G.
Protein change: p.Asn1151Ser; replaces asparagine 1151 with serine.
Molecular consequence: missense variant.
Genome position (GRCh38, 1-based): chr15:75,375,804, T>C on the plus strand (A>G on the coding strand, the complement: SIN3A is on the minus strand). VCF-style: chr15-75375804-T-C. GRCh37 (hg19) VCF-style: chr15-75668145-T-C.
Other names: c.3452A>G, p.Asn1151Ser (NM_001145357.2, NM_001437462.1, NM_001437463.1 and 1 more transcripts); short protein forms N1151S.
Identifiers: ClinVar variation 4685134 (VCV004685134.1).

ClinVar aggregate classification (germline): Uncertain significance (1 of 4 stars; one submission).

gnomAD v4.1: 1 of 1,614,180 alleles (0.000062%); highest among the groups gnomAD compares: Non-Finnish European, 0.000085%; no homozygotes.

Submission:

GeneDx
Classification: Uncertain significance. Last evaluated: 2025-07-09. Review status: criteria provided, single submitter. Criteria: GeneDx Variant Classification Process June 2021. Collection method: clinical testing. Allele origin: germline. Affected: yes.
Comment: Not observed at significant frequency in large population cohorts (gnomAD); In silico analysis suggests that this missense variant does not alter protein structure/function; Has not been previously published as pathogenic or benign to our knowledge